The following is an entry in ClinVar:

ClinVar aggregate classification (germline): Uncertain significance (1 of 4 stars; one submission).

Conditions:
Inborn genetic diseases. Identifiers: MedGen C0950123, MeSH D030342.

Submission:

Ambry Genetics
Classification: Uncertain significance for Inborn genetic diseases. Last evaluated: 2025-02-16. Review status: criteria provided, single submitter. Criteria: Ambry Variant Classification Scheme 2023. Collection method: clinical testing. Allele origin: germline.
Comment: The p.R1173K variant (also known as c.3518G>A), located in coding exon 1 of the SAMD9 gene, results from a G to A substitution at nucleotide position 3518. The arginine at codon 1173 is replaced by lysine, an amino acid with highly similar properties. This amino acid position is conserved. In addition, this alteration is predicted to be tolerated by in silico analysis. Based on the available evidence, the clinical significance of this variant remains unclear.

NM_017654.4(SAMD9):c.3518G>A (p.Arg1173Lys)

Gene: SAMD9 (sterile alpha motif domain containing 9; minus strand). Cytogenetic location: 7q21.2.
Variant type: single nucleotide variant.
Coding change: c.3518G>A on transcript NM_017654.4 (MANE Select); coding-DNA position 3518, G replaced by A.
Protein change: p.Arg1173Lys; replaces arginine 1173 with lysine.
Molecular consequence: missense variant.
Genome position (GRCh38, 1-based): chr7:93,102,580, C>T on the plus strand (G>A on the coding strand, the complement: SAMD9 is on the minus strand). VCF-style: chr7-93102580-C-T. GRCh37 (hg19) VCF-style: chr7-92731893-C-T.
Other names: c.3518G>A, p.Arg1173Lys (NM_001193307.2); short protein forms R1173K.
Identifiers: ClinVar variation 3792108 (VCV003792108.1).
Genomic context (GRCh38, chr7:93,102,580, plus strand): 5'-TTGTAAGTATCATACCGCCTTTTTGACTTCGGATACAATCTTTCCTTCACTTCATACTCT[C>T]TATCTTCACTTTGCTGTTGAGATTCTTTGAATGCACTTGAGGCATGTTCTGCTAAATCCA-3'
Protein context (NP_060124.2, residues 1163-1183): FKESQQQSED[Arg1173Lys]EYEVKERLYP